The following is an entry in ClinVar:

ClinVar aggregate classification (germline): Conflicting classifications of pathogenicity. Review status: criteria provided, conflicting classifications (1 of 4 stars). 3 submissions from 3 submitters: Likely pathogenic (1); Uncertain significance (2). Last evaluated 2026-01-09.

Conditions:
Dilated cardiomyopathy 1G (CMD1G). Identifiers: Orphanet 154, MedGen C1858763, MONDO:0011400, OMIM 604145.
Autosomal recessive limb-girdle muscular dystrophy type 2J (LGMDR10). Also called: Limb-girdle muscular dystrophy, type 2J; MUSCULAR DYSTROPHY, LIMB-GIRDLE, AUTOSOMAL RECESSIVE 10. Identifiers: Orphanet 140922, MedGen C1837342, MONDO:0012127, OMIM 608807.

Allele frequency attached by ClinVar (database versions not stated): TOPMed below 0.00001; ExAC 0.00001; gnomAD exomes 0.00002.
gnomAD v4.1: 12 of 1,614,048 alleles (0.00074%); highest among the groups gnomAD compares: South Asian, 0.0022%; no homozygotes.

Submissions (3):

Labcorp Genetics (formerly Invitae), Labcorp
Classification: Likely pathogenic for Dilated cardiomyopathy 1G; Autosomal recessive limb-girdle muscular dystrophy type 2J. Last evaluated: 2026-01-09. Review status: criteria provided, single submitter. Criteria: Invitae Variant Classification Sherloc (09022015). Collection method: clinical testing. Allele origin: germline.
Comment: This sequence change affects a donor splice site in intron 30 of the TTN gene. It is expected to disrupt RNA splicing and likely results in a truncated or disrupted TTN protein. This variant is present in population databases (rs763909866, gnomAD 0.006%). Disruption of this splice site has been observed in individual(s) with TTN-related conditions (PMID: 39020067). ClinVar contains an entry for this variant (Variation ID: 873434). Algorithms developed to predict the effect of sequence changes on RNA splicing suggest that this variant may disrupt the consensus splice site. This variant is located in the I band of TTN (PMID: 25589632). Truncating variants in this region have been reported in individuals affected with autosomal recessive centronuclear myopathy (PMID: 23975875, internal data). Truncating variants in this region have also been identified in individuals affected with autosomal dominant dilated cardiomyopathy and/or cardio-related conditions (PMID: 27869827, 32964742, internal data). In summary, the currently available evidence indicates that the variant is pathogenic, but additional data are needed to prove that conclusively. Therefore, this variant has been classified as Likely Pathogenic.

GeneDx
Classification: Uncertain significance. Last evaluated: 2023-06-13. Review status: criteria provided, single submitter. Criteria: GeneDx Variant Classification Process June 2021. Collection method: clinical testing. Allele origin: germline. Affected: yes.
Comment: Has not been previously published as pathogenic or benign to our knowledge; Not observed at significant frequency in large population cohorts (gnomAD); Canonical splice site variant predicted to result in an in-frame loss of the adjacent exon in a gene for which loss of function is a known mechanism of disease; Located in a region of TTN within the I-band in which the majority of loss of function variants are significantly associated with autosomal dominant titinopathies (Deo et al., 2016; Schafer et al., 2017); This variant is associated with the following publications: (PMID: 27625338, 27869827)

Institute of Human Genetics, University of Leipzig Medical Center
Classification: Uncertain significance for Dilated cardiomyopathy 1G. Last evaluated: 2019-10-29. Review status: criteria provided, single submitter. Criteria: ACMG Guidelines, 2015. Collection method: clinical testing. Allele origin: germline. Affected: yes.

Literature cited by the submitters: PubMed 39020067 (cited by Labcorp Genetics (formerly Invitae), Labcorp); PubMed 25589632 (cited by Labcorp Genetics (formerly Invitae), Labcorp); PubMed 23975875 (cited by Labcorp Genetics (formerly Invitae), Labcorp); PubMed 27869827 (cited by Labcorp Genetics (formerly Invitae), Labcorp); PubMed 32964742 (cited by Labcorp Genetics (formerly Invitae), Labcorp).

NM_001267550.2(TTN):c.7057+1G>A

Genes: TTN (titin; minus strand), LOC126806433 (BRD4-independent group 4 enhancer GRCh37_chr2:179638309-179639508; plus strand). Cytogenetic location: 2q31.2.
Variant type: single nucleotide variant.
Coding change: c.7057+1G>A on transcript NM_001267550.2 (MANE Select); the canonical splice donor site of the intron after coding-DNA position 7057, G replaced by A.
Molecular consequence: splice donor variant.
Genome position (GRCh38, 1-based): chr2:178,774,206, C>T on the plus strand (G>A on the coding strand, the complement: TTN is on the minus strand). VCF-style: chr2-178774206-C-T. GRCh37 (hg19) VCF-style: chr2-179638933-C-T.
Other names: c.6919+1G>A (NM_003319.4, NM_133437.4, NM_133432.3); c.7057+1G>A (NM_133378.4, NM_001256850.1, NM_133379.5).
Identifiers: ClinVar variation 873434 (VCV000873434.9), dbSNP rs763909866, ClinGen allele CA2004914.